The following is an entry in ClinVar:

NM_001267550.2(TTN):c.102304C>T (p.Leu34102Phe)

Genes: TTN-AS1 (TTN antisense RNA 1; plus strand), TTN (titin; minus strand). Cytogenetic location: 2q31.2.
Variant type: single nucleotide variant.
Coding change: c.102304C>T on transcript NM_001267550.2 (MANE Select); coding-DNA position 102304, C replaced by T.
Protein change: p.Leu34102Phe; replaces leucine 34102 with phenylalanine.
Molecular consequence: missense variant.
Genome position (GRCh38, 1-based): chr2:178,534,311, G>A on the plus strand (C>T on the coding strand, the complement: TTN is on the minus strand). VCF-style: chr2-178534311-G-A. GRCh37 (hg19) VCF-style: chr2-179399038-G-A.
Other names: c.75685C>T, p.Leu25229Phe (NM_133437.4); c.97381C>T, p.Leu32461Phe (NM_001256850.1); c.75109C>T, p.Leu25037Phe (NM_003319.4); c.94600C>T, p.Leu31534Phe (NM_133378.4); c.75484C>T, p.Leu25162Phe (NM_133432.3); short protein forms L25037F, L25162F, L25229F, L31534F, L32461F, L34102F.
Identifiers: ClinVar variation 3762225 (VCV003762225.2).

ClinVar aggregate classification (germline): Uncertain significance (1 of 4 stars; one submission).

Conditions:
Autosomal recessive limb-girdle muscular dystrophy type 2J (LGMDR10). Also called: Limb-girdle muscular dystrophy, type 2J; MUSCULAR DYSTROPHY, LIMB-GIRDLE, AUTOSOMAL RECESSIVE 10. Identifiers: Orphanet 140922, MedGen C1837342, MONDO:0012127, OMIM 608807.
Dilated cardiomyopathy 1G (CMD1G). Identifiers: Orphanet 154, MedGen C1858763, MONDO:0011400, OMIM 604145.

Submission:

Labcorp Genetics (formerly Invitae), Labcorp
Classification: Uncertain significance for Dilated cardiomyopathy 1G; Autosomal recessive limb-girdle muscular dystrophy type 2J. Last evaluated: 2024-08-07. Review status: criteria provided, single submitter. Criteria: Invitae Variant Classification Sherloc (09022015). Collection method: clinical testing. Allele origin: germline.
Comment: This sequence change replaces leucine, which is neutral and non-polar, with phenylalanine, which is neutral and non-polar, at codon 34102 of the TTN protein (p.Leu34102Phe). This variant is not present in population databases (gnomAD no frequency). This variant has not been reported in the literature in individuals affected with TTN-related conditions. Experimental studies and prediction algorithms are not available or were not evaluated, and the functional significance of this variant is currently unknown. This variant is located in the M band of TTN (PMID: 25589632). Non-truncating variants in this region may be relevant for neuromuscular disorders, but have not been definitively shown to cause cardiomyopathy (PMID: 23975875). In summary, the available evidence is currently insufficient to determine the role of this variant in disease. Therefore, it has been classified as a Variant of Uncertain Significance.

Literature cited by the submitters: PubMed 25589632; PubMed 23975875.